The following is an entry in ClinVar:

NM_006922.4(SCN3A):c.5264T>C (p.Ile1755Thr)

Gene: SCN3A (sodium voltage-gated channel alpha subunit 3; minus strand). Cytogenetic location: 2q24.3.
Variant type: single nucleotide variant.
Coding change: c.5264T>C on transcript NM_006922.4 (MANE Select); coding-DNA position 5264, T replaced by C.
Protein change: p.Ile1755Thr; replaces isoleucine 1755 with threonine.
Molecular consequence: missense variant.
Genome position (GRCh38, 1-based): chr2:165,090,889, A>G on the plus strand (T>C on the coding strand, the complement: SCN3A is on the minus strand). VCF-style: chr2-165090889-A-G. GRCh37 (hg19) VCF-style: chr2-165947399-A-G.
Other names: c.5264T>C (NM_006922.3); c.5117T>C, p.Ile1706Thr (NM_001081676.2, NM_001081677.2); short protein forms I1706T, I1755T.
Identifiers: ClinVar variation 2831193 (VCV002831193.4), dbSNP rs763009016, ClinGen allele CA1938420.

ClinVar aggregate classification (germline): Uncertain significance. Review status: criteria provided, multiple submitters, no conflicts (2 of 4 stars). 2 submissions from 2 submitters: Uncertain significance (2). Last evaluated 2025-07-03.

Conditions:
Inborn genetic diseases. Identifiers: MedGen C0950123, MeSH D030342.

Allele frequency attached by ClinVar (database versions not stated): TOPMed below 0.00001; ExAC 0.00001; gnomAD 0.00001; gnomAD exomes 0.00001.
gnomAD v4.1: 17 of 1,613,992 alleles (0.0011%); highest among the groups gnomAD compares: Non-Finnish European, 0.0014%; no homozygotes.

Submissions (2):

Ambry Genetics
Classification: Uncertain significance for Inborn genetic diseases. Last evaluated: 2025-07-03. Review status: criteria provided, single submitter. Criteria: Ambry Variant Classification Scheme 2023. Collection method: clinical testing. Allele origin: germline.

Labcorp Genetics (formerly Invitae), Labcorp
Classification: Uncertain significance. Last evaluated: 2024-04-30. Review status: criteria provided, single submitter. Criteria: Invitae Variant Classification Sherloc (09022015). Collection method: clinical testing. Allele origin: germline.
Comment: This sequence change replaces isoleucine, which is neutral and non-polar, with threonine, which is neutral and polar, at codon 1755 of the SCN3A protein (p.Ile1755Thr). This variant is present in population databases (rs763009016, gnomAD 0.004%). This variant has not been reported in the literature in individuals affected with SCN3A-related conditions. Advanced modeling of protein sequence and biophysical properties (such as structural, functional, and spatial information, amino acid conservation, physicochemical variation, residue mobility, and thermodynamic stability) has been performed at Invitae for this missense variant, however the output from this modeling did not meet the statistical confidence thresholds required to predict the impact of this variant on SCN3A protein function. In summary, the available evidence is currently insufficient to determine the role of this variant in disease. Therefore, it has been classified as a Variant of Uncertain Significance.